The following is an entry in ClinVar:

ClinVar aggregate classification (germline): Likely benign (0 of 4 stars; one submission).

Conditions:
PDZD2-related disorder. Also called: PDZD2-related condition.

Allele frequency attached by ClinVar (database versions not stated): gnomAD 0.00003; TOPMed 0.00003; gnomAD exomes 0.00005; ExAC 0.00008; ESP Exome Variant Server 0.00008.
gnomAD v4.1: 75 of 1,613,718 alleles (0.0046%); highest among the groups gnomAD compares: Non-Finnish European, 0.0058%; no homozygotes.

Submission:

PreventionGenetics, part of Exact Sciences
Classification: Likely benign for PDZD2-related condition. Last evaluated: 2019-10-28. Review status: no assertion criteria provided. Collection method: clinical testing. Allele origin: germline.
Comment: This variant is classified as likely benign based on ACMG/AMP sequence variant interpretation guidelines (Richards et al. 2015 PMID: 25741868, with internal and published modifications).

NM_178140.4(PDZD2):c.4110T>C (p.Pro1370=)

Gene: PDZD2 (PDZ domain containing 2; plus strand). Cytogenetic location: 5p13.3.
Variant type: single nucleotide variant.
Coding change: c.4110T>C on transcript NM_178140.4 (MANE Select); coding-DNA position 4110, T replaced by C.
Protein change: p.Pro1370=; no amino-acid change (proline 1370 retained).
Molecular consequence: synonymous variant.
Genome position (GRCh38, 1-based): chr5:32,087,558, T>C. VCF-style: chr5-32087558-T-C. GRCh37 (hg19) VCF-style: chr5-32087664-T-C.
Identifiers: ClinVar variation 3045408 (VCV003045408.2), dbSNP rs376669766, ClinGen allele CA3219650.